The following is an entry in ClinVar:

NM_001913.5(CUX1):c.1398C>A (p.His466Gln)

Gene: CUX1 (cut like homeobox 1; plus strand). Cytogenetic location: 7q22.1.
Variant type: single nucleotide variant.
Coding change: c.1398C>A on transcript NM_001913.5 (MANE Plus Clinical); coding-DNA position 1398, C replaced by A.
Protein change: p.His466Gln; replaces histidine 466 with glutamine.
Molecular consequence: missense variant.
Genome position (GRCh38, 1-based): chr7:102,274,258, C>A. VCF-style: chr7-102274258-C-A. GRCh37 (hg19) VCF-style: chr7-101917529-C-A.
Other names: c.1350C>A, p.His450Gln (NM_001202544.3); c.1260C>A, p.His420Gln (NM_001202545.3); c.1281C>A, p.His427Gln (NM_001202546.3); c.1392C>A, p.His464Gln (NM_181500.4); short protein forms H420Q, H427Q, H450Q, H464Q, H466Q.
Identifiers: ClinVar variation 3345325 (VCV003345325.1).

ClinVar aggregate classification (germline): Uncertain significance (0 of 4 stars; one submission).

Conditions:
CUX1-related disorder. Also called: CUX1-related condition.

Submission:

PreventionGenetics, part of Exact Sciences
Classification: Uncertain significance for CUX1-related condition. Last evaluated: 2024-08-05. Review status: no assertion criteria provided. Collection method: clinical testing. Allele origin: germline.
Comment: The CUX1 c.1350C>A variant is predicted to result in the amino acid substitution p.His450Gln. This variant corresponds to a post-coding position in an alternate transcript for this gene (NM_001202543:c.*25207C>A). To our knowledge, this variant has not been reported in the literature or in a large population database, indicating this variant is rare. At this time, the clinical significance of this variant is uncertain due to the absence of conclusive functional and genetic evidence.